The following is an entry in ClinVar:

ClinVar aggregate classification (germline): Uncertain significance (1 of 4 stars; one submission).

Submission:

Labcorp Genetics (formerly Invitae), Labcorp
Classification: Uncertain significance. Last evaluated: 2022-03-10. Review status: criteria provided, single submitter. Criteria: Invitae Variant Classification Sherloc (09022015). Collection method: clinical testing. Allele origin: germline.
Comment: The COL18A1 gene has multiple clinically relevant transcripts. This variant occurs in alternate transcript NM_030582.3, and corresponds to NM_130445.2:c.107-12146_107-12143del in the primary transcript. This sequence change creates a premature translational stop signal (p.Gly186Profs*117) in the COL18A1 gene. However, it is currently unclear if variants that occur in this region of the gene cause disease. This variant is not present in population databases (gnomAD no frequency). This variant has not been reported in the literature in individuals affected with COL18A1-related conditions. ClinVar contains an entry for this variant (Variation ID: 999123). Experimental studies and prediction algorithms are not available or were not evaluated, and the functional significance of this variant is currently unknown. In summary, the available evidence is currently insufficient to determine the role of this variant in disease. Therefore, it has been classified as a Variant of Uncertain Significance.

NM_001379500.1(COL18A1):c.107-12146_107-12143del

Gene: COL18A1 (collagen type XVIII alpha 1 chain; plus strand). Cytogenetic location: 21q22.3.
Variant type: Deletion.
Coding change: c.107-12146_107-12143del on transcript NM_001379500.1 (MANE Select); 12146 bases into the intron before coding-DNA position 107 through 12143 bases into the intron before coding-DNA position 107, 4 bases deleted (CTGC; older notation c.107-12146_107-12143delCTGC).
Molecular consequence: intron variant. On other transcripts: frameshift variant (2).
Genome position (GRCh38, 1-based): chr21:45,456,096-45,456,099, CTGC deleted; deleting any 4 consecutive bases within chr21:45,456,093-45,456,099 gives the same sequence; the c. name uses the placement nearest the transcript's 3' end. VCF-style (leftmost placement, unchanged base first): chr21-45456092-TTGCC-T. GRCh37 (hg19) VCF-style: chr21-46876006-TTGCC-T.
Other names: c.566_569del, p.Pro189fs (NM_030582.4, NM_130444.3); short protein forms P189fs.
Identifiers: ClinVar variation 999123 (VCV000999123.6), dbSNP rs2034795658, ClinGen allele CA2392160728.
Genomic context (GRCh38, chr21:45,456,092, plus strand): 5'-CTCTGGCCCAGCCGTGGCATTCCTAGCTCTCCGGGCGCCCACACAACCGAGGCTGGCACC[TTGCC>T]TGCACCCACCCCATCGCCTCCCTCCCTGGGCAGGCCCTGGGCACCACTCACGGGGCCCTC-3'